The following is an entry in ClinVar:

NM_032043.3(BRIP1):c.3201C>G (p.Cys1067Trp)

Gene: BRIP1 (BRCA1 interacting DNA helicase 1; minus strand). Cytogenetic location: 17q23.2.
Variant type: single nucleotide variant.
Coding change: c.3201C>G on transcript NM_032043.3 (MANE Select); coding-DNA position 3201, C replaced by G.
Protein change: p.Cys1067Trp; replaces cysteine 1067 with tryptophan.
Molecular consequence: missense variant.
Genome position (GRCh38, 1-based): chr17:61,683,845, G>C on the plus strand (C>G on the coding strand, the complement: BRIP1 is on the minus strand). VCF-style: chr17-61683845-G-C. GRCh37 (hg19) VCF-style: chr17-59761206-G-C.
Other names: short protein forms C1067W.
Identifiers: ClinVar variation 1728827 (VCV001728827.2), dbSNP rs1477019492, ClinGen allele CA400479334.

ClinVar aggregate classification (germline): Uncertain significance (1 of 4 stars; one submission).

Conditions:
Hereditary cancer-predisposing syndrome. Also called: Tumor predisposition; Neoplastic Syndromes, Hereditary; Hereditary Cancer Syndrome; Hereditary neoplastic syndrome. Identifiers: Orphanet 140162, MedGen C0027672, MeSH D009386, MONDO:0015356.

Submission:

Ambry Genetics
Classification: Uncertain significance for Hereditary cancer-predisposing syndrome. Last evaluated: 2019-08-19. Review status: criteria provided, single submitter. Criteria: Ambry Variant Classification Scheme 2023. Collection method: clinical testing. Allele origin: germline.
Comment: The p.C1067W variant (also known as c.3201C>G), located in coding exon 19 of the BRIP1 gene, results from a C to G substitution at nucleotide position 3201. The cysteine at codon 1067 is replaced by tryptophan, an amino acid with highly dissimilar properties. This amino acid position is not well conserved in available vertebrate species. In addition, this alteration is predicted to be tolerated by in silico analysis. Since supporting evidence is limited at this time, the clinical significance of this alteration remains unclear.